The following is an entry in ClinVar:

ClinVar aggregate classification (germline): Uncertain significance (1 of 4 stars; one submission).

Conditions:
Dilated cardiomyopathy 1O (CMD1O). Also called: CARDIOMYOPATHY, DILATED, WITH VENTRICULAR TACHYCARDIA. Identifiers: Orphanet 154, MedGen C1837839, MONDO:0012062, OMIM 608569.

Submission:

Labcorp Genetics (formerly Invitae), Labcorp
Classification: Uncertain significance for Dilated cardiomyopathy 1O. Last evaluated: 2024-01-05. Review status: criteria provided, single submitter. Criteria: Invitae Variant Classification Sherloc (09022015). Collection method: clinical testing. Allele origin: germline.
Comment: This sequence change replaces histidine, which is basic and polar, with tyrosine, which is neutral and polar, at codon 1536 of the ABCC9 protein (p.His1536Tyr). This variant is not present in population databases (gnomAD no frequency). This variant has not been reported in the literature in individuals affected with ABCC9-related conditions. ClinVar contains an entry for this variant (Variation ID: 1377116). Advanced modeling of protein sequence and biophysical properties (such as structural, functional, and spatial information, amino acid conservation, physicochemical variation, residue mobility, and thermodynamic stability) performed at Invitae indicates that this missense variant is not expected to disrupt ABCC9 protein function with a negative predictive value of 95%. In summary, the available evidence is currently insufficient to determine the role of this variant in disease. Therefore, it has been classified as a Variant of Uncertain Significance.

NM_020297.4(ABCC9):c.4512+780C>T

Genes: ABCC9 (ATP binding cassette subfamily C member 9; minus strand), KCNJ8-AS1 (KCNJ8 antisense RNA 1; plus strand). Cytogenetic location: 12p12.1.
Variant type: single nucleotide variant.
Coding change: c.4512+780C>T on transcript NM_020297.4 (MANE Select); 780 bases into the intron after coding-DNA position 4512, C replaced by T.
Molecular consequence: intron variant. On other transcripts: missense variant (1).
Genome position (GRCh38, 1-based): chr12:21,805,218, G>A on the plus strand (C>T on the coding strand, the complement: ABCC9 is on the minus strand). VCF-style: chr12-21805218-G-A. GRCh37 (hg19) VCF-style: chr12-21958152-G-A.
Other names: c.4606C>T, p.His1536Tyr (NM_005691.4); c.3645+780C>T (NM_001377274.1); c.4512+780C>T (NM_001377273.1); short protein forms H1536Y.
Identifiers: ClinVar variation 1377116 (VCV001377116.6), dbSNP rs1941749576, ClinGen allele CA384128985.